The following is an entry in ClinVar:

NM_021815.5(SLC5A7):c.1526C>A (p.Pro509His)

Gene: SLC5A7 (solute carrier family 5 member 7; plus strand). Cytogenetic location: 2q12.3.
Variant type: single nucleotide variant.
Coding change: c.1526C>A on transcript NM_021815.5 (MANE Select); coding-DNA position 1526, C replaced by A.
Protein change: p.Pro509His; replaces proline 509 with histidine.
Molecular consequence: missense variant.
Genome position (GRCh38, 1-based): chr2:108,010,644, C>A. VCF-style: chr2-108010644-C-A. GRCh37 (hg19) VCF-style: chr2-108627100-C-A.
Other names: c.1526C>A, p.Pro509His (NM_001305005.3); c.1211C>A, p.Pro404His (NM_001305006.3); c.785C>A, p.Pro262His (NM_001305007.3); short protein forms P262H, P509H, P404H.
Identifiers: ClinVar variation 2065912 (VCV002065912.4), dbSNP rs749606829, ClinGen allele CA1819189.
Genomic context (GRCh38, chr2:108,010,644, plus strand): 5'-TAACCAACATTTGCATCTCCTATCTAGCCAAGTATCTATTTGAAAGTGGAACCTTGCCAC[C>A]TAAATTAGATGTATTTGATGCTGTTGTTGCAAGACACAGTGAAGAAAACATGGATAAGAC-3'
Protein context (NP_068587.1, residues 499-519): KYLFESGTLP[Pro509His]KLDVFDAVVA

ClinVar aggregate classification (germline): Uncertain significance (1 of 4 stars; one submission).

Conditions:
Congenital myasthenic syndrome 20. Also called: Myasthenic syndrome, congenital, 20, presynaptic. Identifiers: MedGen C4310694, MONDO:0014939, OMIM 617143.
Neuronopathy, distal hereditary motor, type 7A. Also called: HARPER-YOUNG MYOPATHY; HMN VIIA; SPINAL MUSCULAR ATROPHY, DISTAL, WITH VOCAL CORD PARALYSIS; Neuronopathy, distal hereditary motor, type viia; NEURONOPATHY, DISTAL HEREDITARY MOTOR, HARDING TYPE VIIA; NEUROPATHY, DISTAL HEREDITARY MOTOR, HARDING TYPE VIIA. Identifiers: Orphanet 139589, MedGen C1834703, MONDO:0008024, OMIM 158580.

Allele frequency attached by ClinVar (database versions not stated): gnomAD exomes below 0.00001; ExAC 0.00001; TOPMed 0.00001.
gnomAD v4.1: 1 of 1,613,836 alleles (0.000062%); highest among the groups gnomAD compares: African/African-American, 0.0013%; no homozygotes.

Submission:

Labcorp Genetics (formerly Invitae), Labcorp
Classification: Uncertain significance for Neuronopathy, distal hereditary motor, type 7A; Congenital myasthenic syndrome 20. Last evaluated: 2022-01-08. Review status: criteria provided, single submitter. Criteria: Invitae Variant Classification Sherloc (09022015). Collection method: clinical testing. Allele origin: germline.
Comment: This variant has not been reported in the literature in individuals affected with SLC5A7-related conditions. In summary, the available evidence is currently insufficient to determine the role of this variant in disease. Therefore, it has been classified as a Variant of Uncertain Significance. Algorithms developed to predict the effect of missense changes on protein structure and function (SIFT, PolyPhen-2, Align-GVGD) all suggest that this variant is likely to be tolerated. This variant is present in population databases (rs749606829, gnomAD 0.007%). This sequence change replaces proline, which is neutral and non-polar, with histidine, which is basic and polar, at codon 509 of the SLC5A7 protein (p.Pro509His).